The following is an entry in ClinVar:

ClinVar aggregate classification (germline): Uncertain significance (1 of 4 stars; one submission).

Conditions:
TTN-related disorder. Also called: TTN-related disorders; TTN-related condition; TTN-related disease.

Allele frequency attached by ClinVar (database versions not stated): TOPMed 0.00004.

Submission:

PreventionGenetics, part of Exact Sciences
Classification: Uncertain significance for TTN-related condition. Last evaluated: 2025-11-10. Review status: criteria provided, single submitter. Criteria: ACMG Guidelines, 2015. Collection method: clinical testing. Allele origin: germline.
Comment: The TTN c.3002T>C variant is predicted to result in the amino acid substitution p.Met1001Thr. To our knowledge, this variant has not been reported in the literature. This variant is reported in 0.068% of alleles in individuals of European (Finnish) descent in gnomAD. Although we suspect that this variant may be benign, at this time, the clinical significance of this variant is uncertain due to the absence of conclusive functional and genetic evidence.

NM_001267550.2(TTN):c.3002T>C (p.Met1001Thr)

Gene: TTN (titin; minus strand). Cytogenetic location: 2q31.2.
Variant type: single nucleotide variant.
Coding change: c.3002T>C on transcript NM_001267550.2 (MANE Select); coding-DNA position 3002, T replaced by C.
Protein change: p.Met1001Thr; replaces methionine 1001 with threonine.
Molecular consequence: missense variant.
Genome position (GRCh38, 1-based): chr2:178,782,904, A>G on the plus strand (T>C on the coding strand, the complement: TTN is on the minus strand). VCF-style: chr2-178782904-A-G. GRCh37 (hg19) VCF-style: chr2-179647631-A-G.
Other names: c.3002T>C, p.Met1001Thr (NM_001256850.1, NM_133378.4, NM_133379.5); c.2864T>C, p.Met955Thr (NM_003319.4, NM_133432.3, NM_133437.4); short protein forms M1001T, M955T.
Identifiers: ClinVar variation 4989455 (VCV004989455.1), dbSNP rs148269839.
Genomic context (GRCh38, chr2:178,782,904, plus strand): 5'-GCCTCATTTACAGCACTGCAAGTAAATCGCCCGCTGTCTTCCGCAAATGCTTCGCGAATC[A>G]TAAGACGAGCAATTCCACTCTGGAAGGTTATCTGGAAGTCAATGGAACTTTCGATTTGGT-3'
Protein context (NP_001254479.2, residues 991-1011): ITFQSGIARL[Met1001Thr]IREAFAEDSG